The following is an entry in ClinVar:

ClinVar aggregate classification (germline): Likely benign (1 of 4 stars; one submission).

gnomAD v4.1: 8,881 of 1,605,808 alleles (0.55%); highest among the groups gnomAD compares: Non-Finnish European, 0.7%; 50 homozygotes.

Submission:

CeGaT Center for Human Genetics Tuebingen
Classification: Likely benign. Last evaluated: 2026-09-01. Review status: criteria provided, single submitter. Criteria: CeGaT Center For Human Genetics Tuebingen Variant Classification Criteria Version 2. Collection method: clinical testing. Allele origin: germline. Affected: yes. Observed: 1 variant allele.
Comment: C16orf90: BP4, BS2

NM_001080524.2(C16orf90):c.523C>T (p.Arg175Cys)

Gene: C16orf90 (chromosome 16 open reading frame 90; minus strand). Cytogenetic location: 16p13.3.
Variant type: single nucleotide variant.
Coding change: c.523C>T on transcript NM_001080524.2 (MANE Select); coding-DNA position 523, C replaced by T.
Protein change: p.Arg175Cys; replaces arginine 175 with cysteine.
Molecular consequence: missense variant.
Genome position (GRCh38, 1-based): chr16:3,493,865, G>A on the plus strand (C>T on the coding strand, the complement: C16orf90 is on the minus strand). VCF-style: chr16-3493865-G-A. GRCh37 (hg19) VCF-style: chr16-3543865-G-A.
Other names: c.502C>T, p.Arg168Cys (NM_001353382.1); c.262C>T, p.Arg88Cys (NM_001353383.1, NM_001353384.1, NM_001353385.2); short protein forms R168C, R175C, R88C.
Identifiers: ClinVar variation 5040848 (VCV005040848.1).